The following is an entry in ClinVar:

ClinVar aggregate classification (germline): Uncertain significance (1 of 4 stars; one submission).

Allele frequency attached by ClinVar (database versions not stated): gnomAD 0.00001; TOPMed 0.00002.
gnomAD v4.1: 2 of 1,613,998 alleles (0.00012%); highest among the groups gnomAD compares: African/African-American, 0.0027%; no homozygotes.

Submission:

Labcorp Genetics (formerly Invitae), Labcorp
Classification: Uncertain significance. Last evaluated: 2022-09-25. Review status: criteria provided, single submitter. Criteria: Invitae Variant Classification Sherloc (09022015). Collection method: clinical testing. Allele origin: germline.
Comment: This sequence change replaces glycine, which is neutral and non-polar, with aspartic acid, which is acidic and polar, at codon 946 of the NFKB1 protein (p.Gly946Asp). This variant is not present in population databases (gnomAD no frequency). This variant has not been reported in the literature in individuals affected with NFKB1-related conditions. Algorithms developed to predict the effect of missense changes on protein structure and function output the following: SIFT: "Tolerated"; PolyPhen-2: "Benign"; Align-GVGD: "Class C0". The aspartic acid amino acid residue is found in multiple mammalian species, which suggests that this missense change does not adversely affect protein function. In summary, the available evidence is currently insufficient to determine the role of this variant in disease. Therefore, it has been classified as a Variant of Uncertain Significance.

NM_003998.4(NFKB1):c.2837G>A (p.Gly946Asp)

Gene: NFKB1 (nuclear factor kappa B subunit 1; plus strand). Cytogenetic location: 4q24.
Variant type: single nucleotide variant.
Coding change: c.2837G>A on transcript NM_003998.4 (MANE Select); coding-DNA position 2837, G replaced by A.
Protein change: p.Gly946Asp; replaces glycine 946 with aspartic acid.
Molecular consequence: missense variant.
Genome position (GRCh38, 1-based): chr4:102,616,521, G>A. VCF-style: chr4-102616521-G-A. GRCh37 (hg19) VCF-style: chr4-103537678-G-A.
Other names: c.2834G>A, p.Gly945Asp (NM_001165412.2, NM_001319226.2, NM_001382627.1); c.2837G>A, p.Gly946Asp (NM_001382625.1, NM_001382626.1); c.2795G>A, p.Gly932Asp (NM_001382628.1); short protein forms G946D, G932D, G945D.
Identifiers: ClinVar variation 1903273 (VCV001903273.5), dbSNP rs1267058231, ClinGen allele CA357755862.